The following is an entry in ClinVar:

NM_003361.4(UMOD):c.93G>C (p.Trp31Cys)

Gene: UMOD (uromodulin; minus strand). Cytogenetic location: 16p12.3.
Variant type: single nucleotide variant.
Coding change: c.93G>C on transcript NM_003361.4 (MANE Select); coding-DNA position 93, G replaced by C.
Protein change: p.Trp31Cys; replaces tryptophan 31 with cysteine.
Molecular consequence: missense variant. On other transcripts: non-coding transcript variant (1).
Genome position (GRCh38, 1-based): chr16:20,349,208, C>G on the plus strand (G>C on the coding strand, the complement: UMOD is on the minus strand). VCF-style: chr16-20349208-C-G. GRCh37 (hg19) VCF-style: chr16-20360530-C-G.
Other names: c.93G>C, p.Trp31Cys (NM_001008389.3, NM_001378232.1, NM_001378233.1 and 3 more transcripts); c.192G>C, p.Trp64Cys (NM_001278614.2); short protein forms W31C, W64C.
Identifiers: ClinVar variation 2499669 (VCV002499669.2), dbSNP rs2507391645, ClinGen allele CA394965772.

ClinVar aggregate classification (germline): Pathogenic (0 of 4 stars; one submission).

Conditions:
Familial juvenile hyperuricemic nephropathy type 1 (ADTKD1). Also called: Autosomal Dominant Tubulointerstitial Kidney Disease – UMOD; UMOD-Associated Kidney Disease; Uromodulin-associated kidney disease; Glomerulocystic kidney disease with hyperuricemia and isosthenuria; Medullary cystic kidney disease 2. Identifiers: Orphanet 209886, Orphanet 34149, Orphanet 88950, MedGen C4551496, MONDO:0008073, OMIM 162000.

Submission:

Institute Of Nephrology, Zhong Da Hospital, Southeast University School Of Medicine
Classification: Pathogenic for Familial juvenile hyperuricemic nephropathy type 1. Last evaluated: 2023-04-10. Review status: no assertion criteria provided. Collection method: provider interpretation. Allele origin: inherited. Inheritance: Autosomal dominant inheritance. Affected: yes. Observed: 3 variant alleles, 3 heterozygotes. Clinical features observed: Renal insufficiency (HP:0000083), Decreased glomerular filtration rate (HP:0012213), Hyperuricemia (HP:0002149).
Comment: Patients of the family manifests as the clinical characteristics of autosomal dominant tubulointerstitial kidney disease(ADTKD). UMOD is the pathogenic gene of ADTKD, so we considered that the new variant pathogenic to this family.